The following is an entry in ClinVar:

NM_001429.4(EP300):c.2053+4A>T

Gene: EP300 (EP300 lysine acetyltransferase; plus strand). Cytogenetic location: 22q13.2.
Variant type: single nucleotide variant.
Coding change: c.2053+4A>T on transcript NM_001429.4 (MANE Select); 4 bases into the intron after coding-DNA position 2053, A replaced by T.
Molecular consequence: intron variant.
Genome position (GRCh38, 1-based): chr22:41,141,226, A>T. VCF-style: chr22-41141226-A-T. GRCh37 (hg19) VCF-style: chr22-41537230-A-T.
Other names: c.2053+4A>T (NM_001362843.2).
Identifiers: ClinVar variation 374087 (VCV000374087.4), dbSNP rs1057518889, ClinGen allele CA16043571.

ClinVar aggregate classification (germline): Uncertain significance. Review status: criteria provided, single submitter (1 of 4 stars). 2 submissions from 1 submitter: Uncertain significance (2). Last evaluated 2016-01-01.

Conditions:
Menke-Hennekam syndrome 2 (MKHK2). Identifiers: MedGen C5193035, MONDO:0020769, OMIM 618333.
Hirsutism. Identifiers: MedGen C0019572, HP:0001007.
Hypotonia. Also called: poor muscle tone; Muscular hypotonia. Identifiers: MedGen C0026827, HP:0001252.
Primary microcephaly. Also called: Congenital microcephaly. Identifiers: MedGen C2677180, HP:0011451.
Myopia. Also called: Myopia (disease). Identifiers: MedGen C0027092, MONDO:0001384, HP:0000545.
Synophrys. Identifiers: MedGen C0431447, HP:0000664.
Short stature. Identifiers: MedGen C0349588, HP:0004322.
Moderate intellectual disability. Also called: Moderate ID; Moderae intellectual disability. Identifiers: MedGen C0026351, HP:0002342.

Submissions (2):

Centre for Mendelian Genomics, University Medical Centre Ljubljana
Classification: Uncertain significance for Menke-Hennekam syndrome 2. Last evaluated: 2016-01-01. Review status: criteria provided, single submitter. Criteria: ACMG Guidelines, 2015. Collection method: clinical testing. Allele origin: unknown. Affected: yes.
Comment: This variant was classified as: Uncertain significance.

Centre for Mendelian Genomics, University Medical Centre Ljubljana
Classification: Uncertain significance for Primary microcephaly; Hirsutism; Moderate intellectual disability; Hypotonia; Myopia; Short stature; Synophrys. Last evaluated: 2015-03-31. Review status: criteria provided, single submitter. Criteria: ACMG Guidelines, 2015. Collection method: clinical testing. Allele origin: unknown. Affected: yes.